The following is an entry in ClinVar:

ClinVar aggregate classification (germline): Uncertain significance. Review status: criteria provided, multiple submitters, no conflicts (2 of 4 stars). 2 submissions from 2 submitters: Uncertain significance (2). Last evaluated 2023-06-12.

Conditions:
Emery-Dreifuss muscular dystrophy 4, autosomal dominant (EDMD4). Also called: EMERY-DREIFUSS MUSCULAR DYSTROPHY 4 WITH VARIABLE FEATURES. Identifiers: Orphanet 261, MedGen C2751807, MONDO:0013071, OMIM 612998.
Autosomal recessive ataxia, Beauce type. Also called: Spinocerebellar ataxia, autosomal recessive 8; ATAXIA, RECESSIVE, OF BEAUCE; SYNE1 Deficiency; SYNE1-Related Autosomal Recessive Cerebellar Ataxia. Identifiers: Orphanet 88644, MedGen C1853116, MONDO:0012549, OMIM 610743.

Allele frequency attached by ClinVar (database versions not stated): gnomAD exomes below 0.00001 and 0.00001; TOPMed below 0.00001; ExAC 0.00001; gnomAD 0.00001; ESP Exome Variant Server 0.00008.
gnomAD v4.1: 11 of 1,613,696 alleles (0.00068%); highest among the groups gnomAD compares: Non-Finnish European, 0.00093%; no homozygotes.

Submissions (2):

Revvity Omics, Revvity
Classification: Uncertain significance. Last evaluated: 2023-06-12. Review status: criteria provided, single submitter. Criteria: ACMG Guidelines, 2015. Collection method: clinical testing. Allele origin: germline.

Labcorp Genetics (formerly Invitae), Labcorp
Classification: Uncertain significance for Emery-Dreifuss muscular dystrophy 4, autosomal dominant; Autosomal recessive ataxia, Beauce type. Last evaluated: 2020-06-16. Review status: criteria provided, single submitter. Criteria: Invitae Variant Classification Sherloc (09022015). Collection method: clinical testing. Allele origin: germline.
Comment: In summary, the available evidence is currently insufficient to determine the role of this variant in disease. Therefore, it has been classified as a Variant of Uncertain Significance. Algorithms developed to predict the effect of missense changes on protein structure and function are either unavailable or do not agree on the potential impact of this missense change (SIFT: "Deleterious"; PolyPhen-2: "Benign"; Align-GVGD: "Class C0"). This variant has not been reported in the literature in individuals with SYNE1-related conditions. This variant is present in population databases (rs148295255, ExAC 0.001%). This sequence change replaces valine with alanine at codon 551 of the SYNE1 protein (p.Val551Ala). The valine residue is weakly conserved and there is a small physicochemical difference between valine and alanine.

NM_182961.4(SYNE1):c.1631T>C (p.Val544Ala)

Gene: SYNE1 (spectrin repeat containing nuclear envelope protein 1; minus strand). Cytogenetic location: 6q25.2.
Variant type: single nucleotide variant.
Coding change: c.1631T>C on transcript NM_182961.4 (MANE Select); coding-DNA position 1631, T replaced by C.
Protein change: p.Val544Ala; replaces valine 544 with alanine.
Molecular consequence: missense variant.
Genome position (GRCh38, 1-based): chr6:152,471,598, A>G on the plus strand (T>C on the coding strand, the complement: SYNE1 is on the minus strand). VCF-style: chr6-152471598-A-G. GRCh37 (hg19) VCF-style: chr6-152792733-A-G.
Other names: c.1652T>C, p.Val551Ala (NM_033071.5); c.1652T>C (NM_033071.3); short protein forms V544A, V551A.
Identifiers: ClinVar variation 1041735 (VCV001041735.10), dbSNP rs148295255, ClinGen allele CA4059364.